The following is an entry in ClinVar:

ClinVar aggregate classification (germline): Likely benign (1 of 4 stars; one submission).

Allele frequency attached by ClinVar (database versions not stated): gnomAD 0.00004; TOPMed 0.00004; gnomAD exomes 0.00006; ExAC 0.00009.
gnomAD v4.1: 73 of 1,261,050 alleles (0.0058%); highest among the groups gnomAD compares: Non-Finnish European, 0.0069%; no homozygotes.

Submission:

CeGaT Center for Human Genetics Tuebingen
Classification: Likely benign. Last evaluated: 2022-03-01. Review status: criteria provided, single submitter. Criteria: CeGaT Center For Human Genetics Tuebingen Variant Classification Criteria Version 2. Collection method: clinical testing. Allele origin: germline. Affected: yes. Observed: 1 variant allele.
Comment: PRRC2B: BP4

NM_013318.4(PRRC2B):c.4758+8G>A

Genes: PRRC2B (proline rich coiled-coil 2B; plus strand), LOC124375235 (Sharpr-MPRA regulatory region 9532; plus strand). Cytogenetic location: 9q34.13.
Variant type: single nucleotide variant.
Coding change: c.4758+8G>A on transcript NM_013318.4 (MANE Select); 8 bases into the intron after coding-DNA position 4758, G replaced by A.
Molecular consequence: intron variant.
Genome position (GRCh38, 1-based): chr9:131,478,627, G>A. VCF-style: chr9-131478627-G-A. GRCh37 (hg19) VCF-style: chr9-134354014-G-A.
Other names: c.2676+8G>A (NM_001384823.1); c.4758+8G>A (NM_001384821.1, NM_001384822.1, NM_001384818.1).
Identifiers: ClinVar variation 2659633 (VCV002659633.24), dbSNP rs770203401, ClinGen allele CA5292394.